The following is an entry in ClinVar:

ClinVar aggregate classification (germline): Uncertain significance (1 of 4 stars; one submission).

Conditions:
Cardiovascular phenotype. Identifiers: MedGen CN230736.

Submission:

Ambry Genetics
Classification: Uncertain significance for Cardiovascular phenotype. Last evaluated: 2026-05-27. Review status: criteria provided, single submitter. Criteria: Ambry Variant Classification Scheme 2023. Collection method: clinical testing. Allele origin: germline.
Comment: The p.Y368S variant (also known as c.1103A>C), located in coding exon 8 of the CBL gene, results from an A to C substitution at nucleotide position 1103. The tyrosine at codon 368 is replaced by serine, an amino acid with dissimilar properties. This amino acid position is conserved. In addition, this alteration is predicted to be deleterious by in silico analysis. Based on the available evidence, the clinical significance of this variant remains unclear.

NM_005188.4(CBL):c.1103A>C (p.Tyr368Ser)

Gene: CBL (Cbl proto-oncogene; plus strand). Cytogenetic location: 11q23.3.
Variant type: single nucleotide variant.
Coding change: c.1103A>C on transcript NM_005188.4 (MANE Select); coding-DNA position 1103, A replaced by C.
Protein change: p.Tyr368Ser; replaces tyrosine 368 with serine.
Molecular consequence: missense variant.
Genome position (GRCh38, 1-based): chr11:119,278,173, A>C. VCF-style: chr11-119278173-A-C. GRCh37 (hg19) VCF-style: chr11-119148883-A-C.
Other names: short protein forms Y368S.
Identifiers: ClinVar variation 4868272 (VCV004868272.1).